The following is an entry in ClinVar:

ClinVar aggregate classification (germline): Pathogenic/Likely pathogenic. Review status: criteria provided, multiple submitters, no conflicts (2 of 4 stars). 11 submissions from 11 submitters: Pathogenic (7); Likely pathogenic (1). 3 of the submissions do not count toward it. Last evaluated 2026-05-13.

Conditions:
KCNJ11-related disorder. Also called: KCNJ11-related disorders; KCNJ11-related condition.
Diabetes mellitus. Also called: Diabetes mellitus (disease). Identifiers: MedGen C0011849, MONDO:0005015, HP:0000819.
Maturity-onset diabetes of the young type 13. Also called: MODY, TYPE 13. Identifiers: Orphanet 552, MedGen C4225365, MONDO:0014589, OMIM 616329.
Maturity-onset diabetes of the young (MODY). Also called: Maturity onset diabetes mellitus in young. Identifiers: Orphanet 552, MedGen C0342276, MONDO:0018911, HP:0004904.
Neonatal diabetes mellitus (NDM). Identifiers: Orphanet 224, MedGen C0158981, MONDO:0016391.
Diabetes mellitus, transient neonatal, 3 (TNDM3). Identifiers: Orphanet 99886, MedGen C1864623, MONDO:0012522, OMIM 610582. Disease mechanism: loss of function.

Allele frequency attached by ClinVar (database versions not stated): gnomAD exomes below 0.00001.

Submissions (11):

GeneDx
Classification: Pathogenic. Last evaluated: 2026-05-13. Review status: criteria provided, single submitter. Criteria: GeneDx Variant Classification Process June 2021. Collection method: clinical testing. Allele origin: germline.
Comment: Reported in the heterozygous state in patients with neonatal diabetes in published literature (PMID: 17327377, 32101525, 32893419, 26438614, 37664823, 26509005, 17446535, 22471336, 35114785, 35612844, 17490422, 40309172, 38970407); Published functional studies demonstrate that the variant causes reduced inhibition of the KATP channels (PMID: 17021801); Not observed at significant frequency in large population cohorts (gnomAD); In silico analysis supports that this missense variant has a deleterious effect on protein structure/function; This variant is associated with the following publications: (PMID: 28347637, 24622368, 28925365, 26509005, 22701567, 17021801, 32101525, 32893419, 33538814, 22471336, 31291970, 26438614, 37664823, 18662362, Wada2024[Poster], 32418263, 17446535, 35114785, 35612844, 40178110, 39700334, 17490422, 40309172, 38970407, 17327377)

ARUP Laboratories, Molecular Genetics and Genomics, ARUP Laboratories
Classification: Pathogenic. Last evaluated: 2024-12-10. Review status: criteria provided, single submitter. Criteria: ARUP Molecular Germline Variant Investigation Process 2024. Collection method: clinical testing. Allele origin: germline.
Comment: The KCNJ11 c.679G>A; p.Glu227Lys variant (rs587783672) is reported in the literature in individuals affected with neonatal diabetes, including several de novo occurrences (Edghill 2007, Gopi 2021) and segregation with disease in a large family with maturity-onset diabetes of the young (Bonnefond 2012). This variant is also reported in ClinVar (Variation ID: 158682) but is only observed on one allele in the Genome Aggregation Database (v2.1.1), indicating it is not a common polymorphism. Computational analyses predict that this variant is deleterious (REVEL: 0.972), and in vitro functional analyses demonstrate reduced channel ATP sensitivity (Girard 2006). Based on available information, this variant is considered to be pathogenic. References: Bonnefond A et al. Whole-exome sequencing and high throughput genotyping identified KCNJ11 as the thirteenth MODY gene. PLoS One. 2012;7(6):e37423. PMID: 22701567. Edghill EL et al. Origin of de novo KCNJ11 mutations and risk of neonatal diabetes for subsequent siblings. J Clin Endocrinol Metab. 2007 May;92(5):1773-7. PMID: 17327377. Girard CA et al. Functional analysis of six Kir6.2 (KCNJ11) mutations causing neonatal diabetes. Pflugers Arch. 2006 Dec;453(3):323-32. PMID: 17021801. Gopi S et al. Genotype-phenotype correlation of KATP channel gene defects causing permanent neonatal diabetes in Indian patients. Pediatr Diabetes. 2021 Feb;22(1):82-92. PMID: 32893419.

Athena Diagnostics
Classification: Pathogenic. Last evaluated: 2024-04-04. Review status: criteria provided, single submitter. Criteria: Athena Diagnostics Criteria. Collection method: clinical testing. Allele origin: unknown.
Comment: The frequency of this variant in the general population is consistent with pathogenicity (Genome Aggregation Database (gnomAD), Cambridge, MA (URL)). This variant has been seen in multiple individuals with autosomal dominant neonatal diabetes (PMID: 4622368, 32893419, 32101525, 35114785, 35612844). It has been observed to segregate with disease within multiple unrelated families (PMID: 17327377, 17490422, 22471336) and identified as de novo in several individuals (PMID: 17327377, 33538814, 37664823). Additionally, it has been observed in individuals with later onset diabetes without confirmed history of neonatal diabetes (PMID: 32101525, 22701567, 33538814). Assessment of experimental evidence suggests this variant results in abnormal protein function. (PMID: 17021801)

Labcorp Genetics (formerly Invitae), Labcorp
Classification: Pathogenic. Last evaluated: 2024-02-16. Review status: criteria provided, single submitter. Criteria: Invitae Variant Classification Sherloc (09022015). Collection method: clinical testing. Allele origin: germline.
Comment: This sequence change replaces glutamic acid, which is acidic and polar, with lysine, which is basic and polar, at codon 227 of the KCNJ11 protein (p.Glu227Lys). This variant is present in population databases (rs587783672, gnomAD 0.003%). This missense change has been observed in individuals with autosomal dominant KCNJ11-related early onset diabetes (PMID: 2270156, 2462236). It has also been observed to segregate with disease in related individuals. ClinVar contains an entry for this variant (Variation ID: 158682). Advanced modeling of protein sequence and biophysical properties (such as structural, functional, and spatial information, amino acid conservation, physicochemical variation, residue mobility, and thermodynamic stability) performed at Invitae indicates that this missense variant is expected to disrupt KCNJ11 protein function with a positive predictive value of 95%. Experimental studies have shown that this missense change affects KCNJ11 function (PMID: 17021801). For these reasons, this variant has been classified as Pathogenic.

Blueprint Genetics
Classification: Pathogenic for KCNJ11-related disorders. Last evaluated: 2023-12-21. Review status: criteria provided, single submitter. Criteria: ACMG Guidelines, 2015. Collection method: clinical testing. Allele origin: germline. Affected: yes. Observed: 2 variant alleles.

Baylor Genetics
Classification: Pathogenic for Diabetes mellitus, transient neonatal, 3. Last evaluated: 2020-01-17. Review status: criteria provided, single submitter. Criteria: ACMG Guidelines, 2015. Collection method: clinical testing. Allele origin: unknown. Affected: yes.
Comment: This variant was determined to be pathogenic according to ACMG Guidelines, 2015 [PMID:25741868].

Genetic Services Laboratory, University of Chicago
Classification: Pathogenic for Diabetes mellitus. Last evaluated: 2013-07-23. Review status: criteria provided, single submitter. Criteria: ACMG Guidelines, 2007. Collection method: clinical testing. Allele origin: germline. Inheritance: Autosomal unknown. Affected: yes.

Molecular Genetics, Madras Diabetes Research Foundation
Classification: Likely pathogenic for Neonatal diabetes mellitus. Review status: criteria provided, single submitter. Criteria: ACMG Guidelines, 2015. Collection method: clinical testing. Allele origin: germline. Affected: yes.

OMIM
Classification: Pathogenic for MATURITY-ONSET DIABETES OF THE YOUNG, TYPE 13. Last evaluated: 2012-01-01. Review status: no assertion criteria provided. Collection method: literature only. Allele origin: germline. Not counted in ClinVar's aggregate classification.

Constantin Polychronakos Laboratory, The Research Institute of the McGill University Health Centre
Classification: Pathogenic for Diabetes mellitus. Review status: no assertion criteria provided. Collection method: research. Allele origin: unknown. Inheritance: Autosomal dominant inheritance. Affected: yes. Study: T1DGC. Not counted in ClinVar's aggregate classification.
Comment: PS1 PM1 PM2 PP2 PP3

Clinical Genomics, Uppaluri K&H Personalized Medicine Clinic
Classification: Benign for Maturity-onset diabetes of the young. Review status: flagged submission. Criteria: K&H Uppaluri Personalized Medicine Clinic Variant Classification & Assertion Criteria. Collection method: research. Allele origin: somatic. Inheritance: Autosomal dominant inheritance. Affected: yes. Not counted in ClinVar's aggregate classification.
Comment: Mutations in KCNJ11 gene can cause decreased production and secretion of insulin. rs587783672(p.Glu227Lys) can lead to MODY which may be responsive to oral sulfonylureas.
ClinVar note: Reason: Outlier claim with insufficient supporting evidence

Literature cited by the submitters: PubMed 17021801 (cited by Athena Diagnostics and Labcorp Genetics (formerly Invitae), Labcorp); PubMed 17327377 (cited by Athena Diagnostics); PubMed 17446535 (cited by Athena Diagnostics); PubMed 17490422 (cited by Athena Diagnostics); PubMed 22701567 (cited by Athena Diagnostics and OMIM); PubMed 24622368 (cited by Athena Diagnostics); PubMed 28347637 (cited by Athena Diagnostics); PubMed 26509005 (cited by Athena Diagnostics); PubMed 22471336 (cited by Athena Diagnostics); PubMed 28925365 (cited by Athena Diagnostics and Clinical Genomics, Uppaluri K&H Personalized Medicine Clinic); PubMed 28587604 (cited by Athena Diagnostics); PubMed 27033559 (cited by Athena Diagnostics); PubMed 23667671 (cited by Athena Diagnostics); PubMed 32893419 (cited by Athena Diagnostics and Molecular Genetics, Madras Diabetes Research Foundation); PubMed 32101525 (cited by Athena Diagnostics and Clinical Genomics, Uppaluri K&H Personalized Medicine Clinic); PubMed 33538814 (cited by Athena Diagnostics); PubMed 37664823 (cited by Athena Diagnostics); PubMed 31291970 (cited by Athena Diagnostics); PubMed 35612844 (cited by Athena Diagnostics); PubMed 35114785 (cited by Athena Diagnostics); PubMed 2270156 (cited by Labcorp Genetics (formerly Invitae), Labcorp); PubMed 2462236 (cited by Labcorp Genetics (formerly Invitae), Labcorp).

NM_000525.4(KCNJ11):c.679G>A (p.Glu227Lys)

Gene: KCNJ11 (potassium inwardly rectifying channel subfamily J member 11; minus strand). Cytogenetic location: 11p15.1.
Variant type: single nucleotide variant.
Coding change: c.679G>A on transcript NM_000525.4 (MANE Select); coding-DNA position 679, G replaced by A.
Protein change: p.Glu227Lys; replaces glutamic acid 227 with lysine.
Molecular consequence: missense variant.
Genome position (GRCh38, 1-based): chr11:17,387,413, C>T on the plus strand (G>A on the coding strand, the complement: KCNJ11 is on the minus strand). VCF-style: chr11-17387413-C-T. GRCh37 (hg19) VCF-style: chr11-17408960-C-T.
Other names: c.418G>A, p.Glu140Lys (NM_001166290.2, NM_001377296.1, NM_001377297.1); short protein forms E227K, E140K.
Identifiers: ClinVar variation 158682 (VCV000158682.22), dbSNP rs587783672, ClinGen allele CA172340.